The following is an entry in ClinVar:

NM_006059.4(LAMC3):c.701del (p.Leu234fs)

Gene: LAMC3 (laminin subunit gamma 3; plus strand). Cytogenetic location: 9q34.12.
Variant type: Deletion.
Coding change: c.701del on transcript NM_006059.4 (MANE Select); coding-DNA position 701, one base deleted (T; older notation c.701delT).
Protein change: p.Leu234fs; shifts the reading frame from leucine 234.
Molecular consequence: frameshift variant.
Genome position (GRCh38, 1-based): chr9:131,032,067, T deleted. VCF-style (leftmost placement, unchanged base first): chr9-131032066-CT-C. GRCh37 (hg19) VCF-style: chr9-133907453-CT-C.
Other names: short protein forms L234fs.
Identifiers: ClinVar variation 3656564 (VCV003656564.2).

ClinVar aggregate classification (germline): Pathogenic (1 of 4 stars; one submission).

Submission:

Labcorp Genetics (formerly Invitae), Labcorp
Classification: Pathogenic. Last evaluated: 2024-06-13. Review status: criteria provided, single submitter. Criteria: Invitae Variant Classification Sherloc (09022015). Collection method: clinical testing. Allele origin: germline.
Comment: This sequence change creates a premature translational stop signal (p.Leu234Profs*5) in the LAMC3 gene. It is expected to result in an absent or disrupted protein product. Loss-of-function variants in LAMC3 are known to be pathogenic (PMID: 21572413, 26802095). This variant is not present in population databases (gnomAD no frequency). This variant has not been reported in the literature in individuals affected with LAMC3-related conditions. For these reasons, this variant has been classified as Pathogenic.

Literature cited by the submitters: PubMed 21572413; PubMed 26802095.